The following is an entry in ClinVar:

ClinVar aggregate classification (germline): Likely benign. Review status: criteria provided, multiple submitters, no conflicts (2 of 4 stars). 3 submissions from 3 submitters: Likely benign (3). Last evaluated 2025-12-31.

Conditions:
Familial cold autoinflammatory syndrome 3 (FCAS3). Also called: FAMILIAL ATYPICAL COLD URTICARIA; ANTIBODY DEFICIENCY AND IMMUNE DYSREGULATION, PLCG2-ASSOCIATED. Identifiers: Orphanet 300359, MedGen C3280914, MONDO:0013766, OMIM 614468.

Allele frequency attached by ClinVar (database versions not stated): ExAC 0.00003; gnomAD 0.00004; gnomAD exomes 0.00005; TOPMed 0.00005.
gnomAD v4.1: 81 of 1,614,076 alleles (0.005%); highest among the groups gnomAD compares: Non-Finnish European, 0.006%; no homozygotes.

Submissions (3):

Labcorp Genetics (formerly Invitae), Labcorp
Classification: Likely benign for Familial cold autoinflammatory syndrome 3. Last evaluated: 2025-12-31. Review status: criteria provided, single submitter. Criteria: Invitae Variant Classification Sherloc (09022015). Collection method: clinical testing. Allele origin: germline.

Mayo Clinic Laboratories, Mayo Clinic
Classification: Likely benign. Last evaluated: 2025-03-31. Review status: criteria provided, single submitter. Criteria: ACMG Guidelines, 2015. Collection method: clinical testing. Allele origin: germline. Observed: 1 variant allele.
Comment: BP4, BP7

Blueprint Genetics
Classification: Likely benign. Last evaluated: 2024-11-14. Review status: criteria provided, single submitter. Criteria: ACMG Guidelines, 2015. Collection method: clinical testing. Allele origin: germline.

NM_002661.5(PLCG2):c.2952C>T (p.Arg984=)

Gene: PLCG2 (phospholipase C gamma 2; plus strand). Cytogenetic location: 16q23.3.
Variant type: single nucleotide variant.
Coding change: c.2952C>T on transcript NM_002661.5 (MANE Select); coding-DNA position 2952, C replaced by T.
Protein change: p.Arg984=; no amino-acid change (arginine 984 retained).
Molecular consequence: synonymous variant.
Genome position (GRCh38, 1-based): chr16:81,936,278, C>T. VCF-style: chr16-81936278-C-T. GRCh37 (hg19) VCF-style: chr16-81969883-C-T.
Other names: p.Arg984=.
Identifiers: ClinVar variation 762076 (VCV000762076.12), dbSNP rs756557048, ClinGen allele CA8194492.